The following is an entry in ClinVar:

ClinVar aggregate classification (germline): Conflicting classifications of pathogenicity. Review status: criteria provided, conflicting classifications (1 of 4 stars). 2 submissions from 2 submitters: Uncertain significance (1); Likely benign (1). Last evaluated 2023-06-12.

Conditions:
Hereditary cancer-predisposing syndrome. Also called: Tumor predisposition; Hereditary Cancer Syndrome; Neoplastic Syndromes, Hereditary; Hereditary neoplastic syndrome. Identifiers: Orphanet 140162, MedGen C0027672, MeSH D009386, MONDO:0015356.

Submissions (2):

Ambry Genetics
Classification: Uncertain significance for Hereditary cancer-predisposing syndrome. Last evaluated: 2023-06-12. Review status: criteria provided, single submitter. Criteria: Ambry Variant Classification Scheme 2023. Collection method: clinical testing. Allele origin: germline.
Comment: The p.K912E variant (also known as c.2734A>G), located in coding exon 9 of the BRCA1 gene, results from an A to G substitution at nucleotide position 2734. The lysine at codon 912 is replaced by glutamic acid, an amino acid with similar properties. This amino acid position is poorly conserved in available vertebrate species. In addition, this alteration is predicted to be tolerated by in silico analysis. Since supporting evidence is limited at this time, the clinical significance of this alteration remains unclear.

University of Washington Department of Laboratory Medicine, University of Washington
Classification: Likely benign for Hereditary cancer-predisposing syndrome. Last evaluated: 2023-03-23. Review status: criteria provided, single submitter. Criteria: Dines et al. (Genet Med. 2020). Collection method: curation. Allele origin: germline.
Comment: Missense variant in a coldspot region where missense variants are very unlikely to be pathogenic (PMID:31911673).

BRCA1 coldspot (exon 11 using historical exon numbering). Reclassification based on statistical prior probability

NM_007294.4(BRCA1):c.2734A>G (p.Lys912Glu)

Gene: BRCA1 (BRCA1 DNA repair associated; minus strand). Cytogenetic location: 17q21.31.
Variant type: single nucleotide variant.
Coding change: c.2734A>G on transcript NM_007294.4 (MANE Select); coding-DNA position 2734, A replaced by G.
Protein change: p.Lys912Glu; replaces lysine 912 with glutamic acid.
Molecular consequence: missense variant. On other transcripts: intron variant (137).
Genome position (GRCh38, 1-based): chr17:43,092,797, T>C on the plus strand (A>G on the coding strand, the complement: BRCA1 is on the minus strand). VCF-style: chr17-43092797-T-C. GRCh37 (hg19) VCF-style: chr17-41244814-T-C.
Other names: c.2521A>G, p.Lys841Glu (NM_001407571.1, NM_001407853.1, NM_001407894.1 and 9 more transcripts); c.2734A>G, p.Lys912Glu (NM_001407581.1, NM_001407582.1, NM_001407583.1 and 30 more transcripts); c.2731A>G, p.Lys911Glu (NM_001407587.1, NM_001407590.1, NM_001407591.1 and 22 more transcripts); c.2725A>G, p.Lys909Glu (NM_001407646.1, NM_001407647.1); c.2611A>G, p.Lys871Glu (NM_001407648.1, NM_001407664.1, NM_001407665.1 and 19 more transcripts); c.2608A>G, p.Lys870Glu (NM_001407649.1, NM_001407670.1, NM_001407671.1 and 11 more transcripts); c.2656A>G, p.Lys886Glu (NM_001407653.1, NM_001407654.1, NM_001407655.1 and 4 more transcripts); c.2653A>G, p.Lys885Glu (NM_001407659.1, NM_001407660.1, NM_001407661.1 and 1 more transcripts); and 41 more; short protein forms K784E, K801E, K824E, K842E, K844E, K886E, K909E, K616E.
Identifiers: ClinVar variation 1795316 (VCV001795316.5), dbSNP rs1555589048, ClinGen allele CA10596523.